The following is an entry in ClinVar:

NM_005901.6(SMAD2):c.972G>A (p.Thr324=)

Gene: SMAD2 (SMAD family member 2; minus strand). Cytogenetic location: 18q21.1.
Variant type: single nucleotide variant.
Coding change: c.972G>A on transcript NM_005901.6 (MANE Select); coding-DNA position 972, G replaced by A.
Protein change: p.Thr324=; no amino-acid change (threonine 324 retained).
Molecular consequence: synonymous variant.
Genome position (GRCh38, 1-based): chr18:47,848,500, C>T on the plus strand (G>A on the coding strand, the complement: SMAD2 is on the minus strand). VCF-style: chr18-47848500-C-T. GRCh37 (hg19) VCF-style: chr18-45374871-C-T.
Other names: c.972G>A, p.Thr324= (NM_001003652.4); c.882G>A, p.Thr294= (NM_001135937.3).
Identifiers: ClinVar variation 1180990 (VCV001180990.39), dbSNP rs372655472, ClinGen allele CA8956107.

ClinVar aggregate classification (germline): Benign/Likely benign. Review status: criteria provided, multiple submitters, no conflicts (2 of 4 stars). 7 submissions from 7 submitters: Benign (2); Likely benign (4). 1 of the submissions does not count toward it. Last evaluated 2026-01-01.

Conditions:
Inborn genetic diseases. Identifiers: MedGen C0950123, MeSH D030342.
SMAD2-related disorder. Also called: SMAD2-related disorders; SMAD2-related condition.

Allele frequency attached by ClinVar (database versions not stated): gnomAD 0.00017 and 0.00019; TOPMed 0.00026; ESP Exome Variant Server 0.00038; 1000 Genomes Project 0.00040; 1000 Genomes Project 30x 0.00047.
gnomAD v4.1: 141 of 1,613,368 alleles (0.0087%); highest among the groups gnomAD compares: African/African-American, 0.052%; no homozygotes.

Submissions (7):

CeGaT Center for Human Genetics Tuebingen
Classification: Likely benign. Last evaluated: 2026-01-01. Review status: criteria provided, single submitter. Criteria: CeGaT Center For Human Genetics Tuebingen Variant Classification Criteria Version 2. Collection method: clinical testing. Allele origin: germline. Affected: yes. Observed: 2 variant alleles.
Comment: SMAD2: BP4, BP7

Labcorp Genetics (formerly Invitae), Labcorp
Classification: Benign. Last evaluated: 2025-12-16. Review status: criteria provided, single submitter. Criteria: Invitae Variant Classification Sherloc (09022015). Collection method: clinical testing. Allele origin: germline.

Women's Health and Genetics/Laboratory Corporation of America, LabCorp
Classification: Benign. Last evaluated: 2024-06-04. Review status: criteria provided, single submitter. Criteria: LabCorp Variant Classification Summary - May 2015. Collection method: clinical testing. Allele origin: germline.

Blueprint Genetics
Classification: Likely benign. Last evaluated: 2023-12-14. Review status: criteria provided, single submitter. Criteria: ACMG Guidelines, 2015. Collection method: clinical testing. Allele origin: germline.

Ambry Genetics
Classification: Likely benign for Inborn genetic diseases. Last evaluated: 2022-02-17. Review status: criteria provided, single submitter. Criteria: Ambry Variant Classification Scheme 2023. Collection method: clinical testing. Allele origin: germline.

GeneDx
Classification: Likely benign. Last evaluated: 2020-11-04. Review status: criteria provided, single submitter. Criteria: GeneDx Variant Classification Process June 2021. Collection method: clinical testing. Allele origin: germline. Affected: yes.

PreventionGenetics, part of Exact Sciences
Classification: Likely benign for SMAD2-related condition. Last evaluated: 2019-02-28. Review status: no assertion criteria provided. Collection method: clinical testing. Allele origin: germline. Not counted in ClinVar's aggregate classification.
Comment: This variant is classified as likely benign based on ACMG/AMP sequence variant interpretation guidelines (Richards et al. 2015 PMID: 25741868, with internal and published modifications).